The following is an entry in ClinVar:

NM_001151.4(SLC25A4):c.40G>A (p.Ala14Thr)

Gene: SLC25A4 (solute carrier family 25 member 4; plus strand). Cytogenetic location: 4q35.1.
Variant type: single nucleotide variant.
Coding change: c.40G>A on transcript NM_001151.4 (MANE Select); coding-DNA position 40, G replaced by A.
Protein change: p.Ala14Thr; replaces alanine 14 with threonine.
Molecular consequence: missense variant.
Genome position (GRCh38, 1-based): chr4:185,143,412, G>A. VCF-style: chr4-185143412-G-A. GRCh37 (hg19) VCF-style: chr4-186064566-G-A.
Other names: short protein forms A14T.
Identifiers: ClinVar variation 4746678 (VCV004746678.1).

ClinVar aggregate classification (germline): Uncertain significance (1 of 4 stars; one submission).

Submission:

Labcorp Genetics (formerly Invitae), Labcorp
Classification: Uncertain significance. Last evaluated: 2025-07-28. Review status: criteria provided, single submitter. Criteria: Invitae Variant Classification Sherloc (09022015). Collection method: clinical testing. Allele origin: germline.
Comment: This sequence change replaces alanine, which is neutral and non-polar, with threonine, which is neutral and polar, at codon 14 of the SLC25A4 protein (p.Ala14Thr). This variant is not present in population databases (gnomAD no frequency). This variant has not been reported in the literature in individuals affected with SLC25A4-related conditions. Invitae Evidence Modeling of protein sequence and biophysical properties (such as structural, functional, and spatial information, amino acid conservation, physicochemical variation, residue mobility, and thermodynamic stability) indicates that this missense variant is not expected to disrupt SLC25A4 protein function with a negative predictive value of 80%. In summary, the available evidence is currently insufficient to determine the role of this variant in disease. Therefore, it has been classified as a Variant of Uncertain Significance.